The following is an entry in ClinVar:

NM_001458.5(FLNC):c.3202T>C (p.Tyr1068His)

Gene: FLNC (filamin C; plus strand). Cytogenetic location: 7q32.1.
Variant type: single nucleotide variant.
Coding change: c.3202T>C on transcript NM_001458.5 (MANE Select); coding-DNA position 3202, T replaced by C.
Protein change: p.Tyr1068His; replaces tyrosine 1068 with histidine.
Molecular consequence: missense variant.
Genome position (GRCh38, 1-based): chr7:128,844,667, T>C. VCF-style: chr7-128844667-T-C. GRCh37 (hg19) VCF-style: chr7-128484721-T-C.
Other names: c.3202T>C, p.Tyr1068His (NM_001127487.2); short protein forms Y1068H.
Identifiers: ClinVar variation 2657991 (VCV002657991.24), dbSNP rs2536636928, ClinGen allele CA369196089.

ClinVar aggregate classification (germline): Uncertain significance (1 of 4 stars; one submission).

gnomAD v4.1: 1 of 1,612,234 alleles (0.000062%); no homozygotes.

Submission:

CeGaT Center for Human Genetics Tuebingen
Classification: Uncertain significance. Last evaluated: 2023-04-01. Review status: criteria provided, single submitter. Criteria: CeGaT Center For Human Genetics Tuebingen Variant Classification Criteria Version 2. Collection method: clinical testing. Allele origin: germline. Affected: yes. Observed: 1 variant allele.
Comment: FLNC: PM2